The following is an entry in ClinVar:

ClinVar aggregate classification (germline): Uncertain significance. Review status: criteria provided, multiple submitters, no conflicts (2 of 4 stars). 4 submissions from 4 submitters: Uncertain significance (4). Last evaluated 2026-08-06.

Conditions:
Aortic aneurysm, familial thoracic 10 (AAT10). Identifiers: MedGen C4284414, MONDO:0014950, OMIM 617168.
Cardiovascular phenotype. Identifiers: MedGen CN230736.

gnomAD v4.1: 1 of 1,613,642 alleles (0.000062%); highest among the groups gnomAD compares: Non-Finnish European, 0.000085%; no homozygotes.

Submissions (4):

OLLIN Analises Genomicas, OLLIN
Classification: Uncertain significance for Aortic aneurysm, familial thoracic 10. Last evaluated: 2026-08-06. Review status: criteria provided, single submitter. Criteria: ACMG Guidelines 2015 PMID 25741868. Collection method: clinical testing. Allele origin: germline. Inheritance: Autosomal dominant inheritance.
Comment: This missense variant, located in exon 3 (of 7), has been reported in ClinVar (accession VCV000986141.9) and in gnomAD with an allele frequency of 0.000062%. However, to our knowledge, it has not been reported in the scientific literature. In silico analysis is inconclusive regarding the impact of this variant. According to the currently available evidence, this variant has been classified as uncertain significance (PM2_P).

Labcorp Genetics (formerly Invitae), Labcorp
Classification: Uncertain significance. Last evaluated: 2025-10-23. Review status: criteria provided, single submitter. Criteria: Invitae Variant Classification Sherloc (09022015). Collection method: clinical testing. Allele origin: germline.
Comment: This sequence change replaces arginine, which is basic and polar, with proline, which is neutral and non-polar, at codon 281 of the LOX protein (p.Arg281Pro). This variant is not present in population databases (gnomAD no frequency). This variant has not been reported in the literature in individuals affected with LOX-related conditions. ClinVar contains an entry for this variant (Variation ID: 986141). Invitae Evidence Modeling of protein sequence and biophysical properties (such as structural, functional, and spatial information, amino acid conservation, physicochemical variation, residue mobility, and thermodynamic stability) has been performed for this missense variant. However, the output from this modeling did not meet the statistical confidence thresholds required to predict the impact of this variant on LOX protein function. In summary, the available evidence is currently insufficient to determine the role of this variant in disease. Therefore, it has been classified as a Variant of Uncertain Significance.

Ambry Genetics
Classification: Uncertain significance for Cardiovascular phenotype. Last evaluated: 2025-03-07. Review status: criteria provided, single submitter. Criteria: Ambry Variant Classification Scheme 2023. Collection method: clinical testing. Allele origin: germline.
Comment: The alteration results in an amino acid change: The c.842G>C (p.R281P) alteration is located in coding exon 3 of the LOX gene. This alteration results from a G to C substitution at nucleotide position 842, causing the arginine (R) at amino acid position 281 to be replaced by a proline (P). The alteration is not observed in population databases: Based on data from the Genome Aggregation Database (gnomAD), the LOX c.842G>C alteration was not observed, with coverage at this position. The altered amino acid is conserved throughout evolution: The p.R281 amino acid is conserved in available vertebrate species. The alteration is predicted deleterious by in silico models: The p.R281P alteration is predicted to be probably damaging by Polyphen and deleterious by SIFT in silico analyses. Based on insufficient or conflicting evidence, the clinical significance of this alteration remains unclear.

GeneDx
Classification: Uncertain significance. Last evaluated: 2023-08-30. Review status: criteria provided, single submitter. Criteria: GeneDx Variant Classification Process June 2021. Collection method: clinical testing. Allele origin: germline. Affected: yes.
Comment: Has not been previously published as pathogenic or benign to our knowledge; Not observed in large population cohorts (gnomAD); In silico analysis supports that this missense variant has a deleterious effect on protein structure/function

NM_002317.7(LOX):c.842G>C (p.Arg281Pro)

Genes: LOX (lysyl oxidase; minus strand), SRFBP1 (serum response factor binding protein 1; plus strand). Cytogenetic location: 5q23.1.
Variant type: single nucleotide variant.
Coding change: c.842G>C on transcript NM_002317.7 (MANE Select); coding-DNA position 842, G replaced by C.
Protein change: p.Arg281Pro; replaces arginine 281 with proline.
Molecular consequence: missense variant. On other transcripts: 5 prime UTR variant (1).
Genome position (GRCh38, 1-based): chr5:122,075,440, C>G on the plus strand (G>C on the coding strand, the complement: LOX is on the minus strand). VCF-style: chr5-122075440-C-G. GRCh37 (hg19) VCF-style: chr5-121411135-C-G.
Other names: c.152G>C, p.Arg51Pro (NM_001178102.2); c.-50G>C (NM_001317073.1); c.842G>C (NM_002317.6); short protein forms R281P, R51P.
Identifiers: ClinVar variation 986141 (VCV000986141.10), dbSNP rs1470075358, ClinGen allele CA360882085.